The following is an entry in ClinVar:

ClinVar aggregate classification (germline): Likely benign. Review status: criteria provided, multiple submitters, no conflicts (2 of 4 stars). 2 submissions from 2 submitters: Likely benign (2). Last evaluated 2026-03-27.

Conditions:
Dilated cardiomyopathy 1G (CMD1G). Identifiers: Orphanet 154, MedGen C1858763, MONDO:0011400, OMIM 604145.
Autosomal recessive limb-girdle muscular dystrophy type 2J (LGMDR10). Also called: Limb-girdle muscular dystrophy, type 2J; MUSCULAR DYSTROPHY, LIMB-GIRDLE, AUTOSOMAL RECESSIVE 10. Identifiers: Orphanet 140922, MedGen C1837342, MONDO:0012127, OMIM 608807.

Allele frequency attached by ClinVar (database versions not stated): ExAC 0.00001; gnomAD 0.00001; TOPMed 0.00002.
gnomAD v4.1: 2 of 1,613,562 alleles (0.00012%); highest among the groups gnomAD compares: African/African-American, 0.0027%; no homozygotes.

Submissions (2):

Molecular Diagnostic Laboratory for Inherited Cardiovascular Disease, Montreal Heart Institute
Classification: Likely benign. Last evaluated: 2026-03-27. Review status: criteria provided, single submitter. Criteria: ACMG Guidelines, 2015. Collection method: clinical testing. Allele origin: germline. Affected: no.
Comment: BP7

Labcorp Genetics (formerly Invitae), Labcorp
Classification: Likely benign for Dilated cardiomyopathy 1G; Autosomal recessive limb-girdle muscular dystrophy type 2J. Last evaluated: 2025-10-07. Review status: criteria provided, single submitter. Criteria: Invitae Variant Classification Sherloc (09022015). Collection method: clinical testing. Allele origin: germline.

NM_001267550.2(TTN):c.23742A>C (p.Gly7914=)

Gene: TTN (titin; minus strand). Cytogenetic location: 2q31.2.
Variant type: single nucleotide variant.
Coding change: c.23742A>C on transcript NM_001267550.2 (MANE Select); coding-DNA position 23742, A replaced by C.
Protein change: p.Gly7914=; no amino-acid change (glycine 7914 retained).
Molecular consequence: synonymous variant. On other transcripts: intron variant (3).
Genome position (GRCh38, 1-based): chr2:178,719,750, T>G on the plus strand (A>C on the coding strand, the complement: TTN is on the minus strand). VCF-style: chr2-178719750-T-G. GRCh37 (hg19) VCF-style: chr2-179584477-T-G.
Other names: c.22791A>C, p.Gly7597= (NM_001256850.1); c.20010A>C, p.Gly6670= (NM_133378.4); c.13282+18332A>C (NM_003319.4); c.13858+18332A>C (NM_133437.4); c.13657+18332A>C (NM_133432.3).
Identifiers: ClinVar variation 2934717 (VCV002934717.4), dbSNP rs760103321, ClinGen allele CA2000573.